The following is an entry in ClinVar:

NM_000443.4(ABCB4):c.2731C>G (p.Gln911Glu)

Gene: ABCB4 (ATP binding cassette subfamily B member 4; minus strand). Cytogenetic location: 7q21.12.
Variant type: single nucleotide variant.
Coding change: c.2731C>G on transcript NM_000443.4 (MANE Select); coding-DNA position 2731, C replaced by G.
Protein change: p.Gln911Glu; replaces glutamine 911 with glutamic acid.
Molecular consequence: missense variant.
Genome position (GRCh38, 1-based): chr7:87,413,669, G>C on the plus strand (C>G on the coding strand, the complement: ABCB4 is on the minus strand). VCF-style: chr7-87413669-G-C. GRCh37 (hg19) VCF-style: chr7-87042985-G-C.
Other names: c.2731C>G, p.Gln911Glu (NM_018849.3, NM_018850.3); short protein forms Q911E.
Identifiers: ClinVar variation 4846593 (VCV004846593.1).

ClinVar aggregate classification (germline): Uncertain significance (1 of 4 stars; one submission).

Conditions:
Familial intrahepatic cholestasis. Identifiers: Orphanet 284385, MedGen CN296401, MONDO:0017290.

gnomAD v4.1: 1 of 1,612,544 alleles (0.000062%); highest among the groups gnomAD compares: African/African-American, 0.0013%; no homozygotes.

Submission:

Genomenon, Inc
Classification: Uncertain significance for Familial intrahepatic cholestasis. Last evaluated: 2026-04-14. Review status: criteria provided, single submitter. Criteria: Genomenon Sequence Variant Interpretation Standards - Updated. Collection method: curation. Allele origin: germline. Affected: yes.
Comment: ABCB4 p.Gln911Glu (c.2731C>G) is a missense variant that changes the amino acid at residue 911 from Glutamine to Glutamic acid. This variant has been observed in at least one proband with an ABCB4-related disorder (PMID:37566928). It is absent or not present at a significant frequency in gnomAD. In silico models predict that this variant is possibly or probably damaging. In conclusion, we classify ABCB4 p.Gln911Glu (c.2731C>G) as a variant of uncertain significance.

Literature cited by the submitters: PubMed 37566928.